The following is an entry in ClinVar:

ClinVar aggregate classification (germline): Uncertain significance (1 of 4 stars; one submission).

Conditions:
Neurofibromatosis, type 1 (NF1). Also called: Peripheral type neurofibromatosis; VON RECKLINGHAUSEN DISEASE; Neurofibromatosis, type I; NEUROFIBROMATOSIS, TYPE I, SOMATIC. Identifiers: Orphanet 636, MedGen C0027831, MONDO:0018975, OMIM 162200. Disease mechanism: loss of function.

Submission:

Labcorp Genetics (formerly Invitae), Labcorp
Classification: Uncertain significance for Neurofibromatosis, type 1. Last evaluated: 2021-12-23. Review status: criteria provided, single submitter. Criteria: Invitae Variant Classification Sherloc (09022015). Collection method: clinical testing. Allele origin: germline.
Comment: This variant has not been reported in the literature in individuals affected with NF1-related conditions. This sequence change replaces methionine, which is neutral and non-polar, with valine, which is neutral and non-polar, at codon 462 of the NF1 protein (p.Met462Val). This variant is not present in population databases (gnomAD no frequency). Advanced modeling of protein sequence and biophysical properties (such as structural, functional, and spatial information, amino acid conservation, physicochemical variation, residue mobility, and thermodynamic stability) performed at Invitae indicates that this missense variant is not expected to disrupt NF1 protein function. In summary, the available evidence is currently insufficient to determine the role of this variant in disease. Therefore, it has been classified as a Variant of Uncertain Significance.

NM_001042492.3(NF1):c.1384A>G (p.Met462Val)

Gene: NF1 (neurofibromin 1; plus strand). Cytogenetic location: 17q11.2.
Variant type: single nucleotide variant.
Coding change: c.1384A>G on transcript NM_001042492.3 (MANE Select); coding-DNA position 1384, A replaced by G.
Protein change: p.Met462Val; replaces methionine 462 with valine.
Molecular consequence: missense variant.
Genome position (GRCh38, 1-based): chr17:31,206,363, A>G. VCF-style: chr17-31206363-A-G. GRCh37 (hg19) VCF-style: chr17-29533381-A-G.
Other names: c.1384A>G, p.Met462Val (NM_000267.4, NM_001128147.3); short protein forms M462V.
Identifiers: ClinVar variation 1980330 (VCV001980330.4), dbSNP rs2544811445, ClinGen allele CA398999871.
Genomic context (GRCh38, chr17:31,206,363, plus strand): 5'-ATGTTTGGTGAAACACTTCATAAAGCAGTGCAAGGTTGTGGAGCACACCCAGCAATACGA[A>G]TGGCACCGGTAAGATAAATCACGAATTTTGAATCTCACCTCCTTTCTATTGCATTTTTTT-3'
Protein context (NP_001035957.1, residues 452-472): QGCGAHPAIR[Met462Val]APSLTFKEKV